The following is an entry in ClinVar:

ClinVar aggregate classification (germline): Likely benign. Review status: criteria provided, multiple submitters, no conflicts (2 of 4 stars). 2 submissions from 2 submitters: Likely benign (2). Last evaluated 2023-03-07.

Allele frequency attached by ClinVar (database versions not stated): TOPMed below 0.00001.

Submissions (2):

Blueprint Genetics
Classification: Likely benign. Last evaluated: 2023-03-07. Review status: criteria provided, single submitter. Criteria: ACMG Guidelines, 2015. Collection method: clinical testing. Allele origin: germline.

CeGaT Center for Human Genetics Tuebingen
Classification: Likely benign. Last evaluated: 2023-01-01. Review status: criteria provided, single submitter. Criteria: CeGaT Center For Human Genetics Tuebingen Variant Classification Criteria Version 2. Collection method: clinical testing. Allele origin: germline. Affected: yes. Observed: 1 variant allele.
Comment: SETD1B: PM2:Supporting, BP4, BP7

NM_001353345.2(SETD1B):c.597C>A (p.Pro199=)

Gene: SETD1B (SET domain containing 1B, histone lysine methyltransferase; plus strand). Cytogenetic location: 12q24.31.
Variant type: single nucleotide variant.
Coding change: c.597C>A on transcript NM_001353345.2 (MANE Select); coding-DNA position 597, C replaced by A.
Protein change: p.Pro199=; no amino-acid change (proline 199 retained).
Molecular consequence: synonymous variant.
Genome position (GRCh38, 1-based): chr12:121,808,260, C>A. VCF-style: chr12-121808260-C-A. GRCh37 (hg19) VCF-style: chr12-122246166-C-A.
Identifiers: ClinVar variation 2643419 (VCV002643419.25), dbSNP rs1875844141, ClinGen allele CA482185362.